The following is an entry in ClinVar:

ClinVar aggregate classification (germline): Likely benign. Review status: criteria provided, multiple submitters, no conflicts (2 of 4 stars). 4 submissions from 4 submitters: Likely benign (3). 1 of the submissions does not count toward it. Last evaluated 2026-01-05.

Conditions:
KMT2B-related disorder. Also called: KMT2B-related disorders; KMT2B-related condition. Identifiers: MedGen CN381338.
Inborn genetic diseases. Identifiers: MedGen C0950123, MeSH D030342.

Allele frequency attached by ClinVar (database versions not stated): 1000 Genomes Project 30x 0.00016; 1000 Genomes Project 0.00020; gnomAD 0.00051 and 0.00052; gnomAD exomes 0.00053 and 0.00121; TOPMed 0.00063; ESP Exome Variant Server 0.00074; ExAC 0.00087.

Submissions (4):

Labcorp Genetics (formerly Invitae), Labcorp
Classification: Likely benign. Last evaluated: 2026-01-05. Review status: criteria provided, single submitter. Criteria: Invitae Variant Classification Sherloc (09022015). Collection method: clinical testing. Allele origin: germline.

CeGaT Center for Human Genetics Tuebingen
Classification: Likely benign. Last evaluated: 2026-01-01. Review status: criteria provided, single submitter. Criteria: CeGaT Center For Human Genetics Tuebingen Variant Classification Criteria Version 2. Collection method: clinical testing. Allele origin: germline. Affected: yes. Observed: 3 variant alleles.
Comment: KMT2B: BP4, BS1

Ambry Genetics
Classification: Likely benign for Inborn genetic diseases. Last evaluated: 2022-04-07. Review status: criteria provided, single submitter. Criteria: Ambry Variant Classification Scheme 2023. Collection method: clinical testing. Allele origin: germline.

PreventionGenetics, part of Exact Sciences
Classification: Likely benign for KMT2B-related condition. Last evaluated: 2022-06-24. Review status: no assertion criteria provided. Collection method: clinical testing. Allele origin: germline. Not counted in ClinVar's aggregate classification.
Comment: This variant is classified as likely benign based on ACMG/AMP sequence variant interpretation guidelines (Richards et al. 2015 PMID: 25741868, with internal and published modifications).

NM_014727.3(KMT2B):c.1043A>C (p.Gln348Pro)

Gene: KMT2B (lysine methyltransferase 2B; plus strand). Cytogenetic location: 19q13.12.
Variant type: single nucleotide variant.
Coding change: c.1043A>C on transcript NM_014727.3 (MANE Select); coding-DNA position 1043, A replaced by C.
Protein change: p.Gln348Pro; replaces glutamine 348 with proline.
Molecular consequence: missense variant.
Genome position (GRCh38, 1-based): chr19:35,720,390, A>C. VCF-style: chr19-35720390-A-C. GRCh37 (hg19) VCF-style: chr19-36211292-A-C.
Other names: c.1043A>C (NM_014727.2, NM_014727.1); short protein forms Q348P.
Identifiers: ClinVar variation 1639877 (VCV001639877.21), dbSNP rs182258483, ClinGen allele CA9384169.